The following is an entry in ClinVar:

NM_001267550.2(TTN):c.28240G>T (p.Ala9414Ser)

Gene: TTN (titin; minus strand). Cytogenetic location: 2q31.2.
Variant type: single nucleotide variant.
Coding change: c.28240G>T on transcript NM_001267550.2 (MANE Select); coding-DNA position 28240, G replaced by T.
Protein change: p.Ala9414Ser; replaces alanine 9414 with serine.
Molecular consequence: missense variant. On other transcripts: intron variant (3).
Genome position (GRCh38, 1-based): chr2:178,710,857, C>A on the plus strand (G>T on the coding strand, the complement: TTN is on the minus strand). VCF-style: chr2-178710857-C-A. GRCh37 (hg19) VCF-style: chr2-179575584-C-A.
Other names: p.A9097S:GCT>TCT; c.27289G>T, p.Ala9097Ser (NM_001256850.1); c.24508G>T, p.Ala8170Ser (NM_133378.4); c.13282+27225G>T (NM_003319.4); c.13858+27225G>T (NM_133437.4); c.13657+27225G>T (NM_133432.3); short protein forms A9097S, A9414S, A8170S.
Identifiers: ClinVar variation 203355 (VCV000203355.3), dbSNP rs794729635, ClinGen allele CA312133.

ClinVar aggregate classification (germline): Uncertain significance. Review status: criteria provided, multiple submitters, no conflicts (2 of 4 stars). 2 submissions from 2 submitters: Uncertain significance (2). Last evaluated 2021-08-13.

Conditions:
Myopathy, myofibrillar, 9, with early respiratory failure (MFM9). Also called: EDSTROM MYOPATHY; MYOPATHY, PROXIMAL, WITH EARLY RESPIRATORY MUSCLE INVOLVEMENT; Myopathy, distal, with early respiratory failure, autosomal dominant; Hereditary myopathy with early respiratory failure. Identifiers: Orphanet 178464, Orphanet 34521, MedGen C1863599, MONDO:0011362, OMIM 603689.
Early-onset myopathy with fatal cardiomyopathy (CMYO5). Also called: CONGENITAL MYOPATHY 5 WITH CARDIOMYOPATHY; Salih Myopathy. Identifiers: Orphanet 289377, MedGen C2673677, MONDO:0012714, OMIM 611705. Disease mechanism: loss of function.
Hypertrophic cardiomyopathy 9. Also called: Familial hypertrophic cardiomyopathy 9. Identifiers: MedGen C1861065, MONDO:0013412, OMIM 613765.
Dilated cardiomyopathy 1G (CMD1G). Identifiers: Orphanet 154, MedGen C1858763, MONDO:0011400, OMIM 604145.
Tibial muscular dystrophy (TMD). Also called: UDD MYOPATHY; Tibial muscular dystrophy, tardive; Udd Distal Myopathy – Tibial Muscular Dystrophy. Identifiers: Orphanet 609, MedGen C1838244, MONDO:0010870, OMIM 600334.
Autosomal recessive limb-girdle muscular dystrophy type 2J (LGMDR10). Also called: MUSCULAR DYSTROPHY, LIMB-GIRDLE, AUTOSOMAL RECESSIVE 10; Limb-girdle muscular dystrophy, type 2J. Identifiers: Orphanet 140922, MedGen C1837342, MONDO:0012127, OMIM 608807.

Submissions (2):

Fulgent Genetics
Classification: Uncertain significance for Tibial muscular dystrophy; Myopathy, myofibrillar, 9, with early respiratory failure; Dilated cardiomyopathy 1G; Autosomal recessive limb-girdle muscular dystrophy type 2J; Early-onset myopathy with fatal cardiomyopathy; Hypertrophic cardiomyopathy 9. Last evaluated: 2021-08-13. Review status: criteria provided, single submitter. Criteria: ACMG Guidelines, 2015. Collection method: clinical testing. Allele origin: unknown.

GeneDx
Classification: Uncertain significance. Last evaluated: 2013-05-07. Review status: criteria provided, single submitter. Criteria: GeneDx Variant Classification (06012015). Collection method: clinical testing. Allele origin: germline. Affected: yes.
Comment: Missense variants in the TTN gene are considered 'unclassified' if they are not previously reported in the literature and do not have >1% frequency in the population to be considered a polymorphism. Research indicates that truncating mutations in the TTN gene are expected to account for approximately 25% of familial and 18% of sporadic idiopathic DCM; however, truncating variants in the TTN gene have been reported in approximately 3% of reported control alleles. There has been little investigation into non-truncating variants. (Herman D et al. Truncations of titin causing dilated cardiomyopathy. N Eng J Med 366:619-628, 2012) The variant is found in DCM panel(s).